The following is an entry in ClinVar:

NM_001122681.2(SH3BP2):c.*6592G>T

Gene: SH3BP2 (SH3 domain binding protein 2; plus strand). Cytogenetic location: 4p16.3.
Variant type: single nucleotide variant.
Coding change: c.*6592G>T on transcript NM_001122681.2 (MANE Select); 6592 bases downstream of the stop codon, G replaced by T.
Molecular consequence: 3 prime UTR variant.
Genome position (GRCh38, 1-based): chr4:2,840,426, G>T. VCF-style: chr4-2840426-G-T. GRCh37 (hg19) VCF-style: chr4-2842153-G-T.
Other names: c.*6592G>T (LRG_1334t2, LRG_1334t1, NM_001145855.2 and 2 more transcripts).
Identifiers: ClinVar variation 348710 (VCV000348710.5), dbSNP rs79866849, ClinGen allele CA10618694.
Genomic context (GRCh38, chr4:2,840,426, plus strand): 5'-TTTGGTTTTTTGCATATGGTGTGAGGTAAGGATTCACTTTCATTTTTTTCTCTCCATAGG[G>T]TTACACACCTGTCCTATCATTGTTTGTAATCTAACTTTCTGCGCCCATCTGCAATGCCAC-3'

ClinVar aggregate classification (germline): Benign (1 of 4 stars; one submission).

Conditions:
Fibrous dysplasia of jaw (CRBM). Also called: Cherubism. Identifiers: Orphanet 184, MedGen C0008029, MONDO:0007315, OMIM 118400.

Allele frequency attached by ClinVar (database versions not stated): 1000 Genomes Project 0.03395; TOPMed 0.03463; 1000 Genomes Project 30x 0.03607.

Submission:

Illumina Laboratory Services, Illumina
Classification: Benign for Fibrous dysplasia of jaw. Last evaluated: 2018-01-12. Review status: criteria provided, single submitter. Criteria: ICSL Variant Classification Criteria 13 December 2019. Collection method: clinical testing. Allele origin: germline.
Comment: This variant was observed in the ICSL laboratory as part of a predisposition screen in an ostensibly healthy population. It had not been previously curated by ICSL or reported in the Human Gene Mutation Database (HGMD: prior to June 1st, 2018), and was therefore a candidate for classification through an automated scoring system. Utilizing variant allele frequency, disease prevalence and penetrance estimates, and inheritance mode, an automated score was calculated to assess if this variant is too frequent to cause the disease. Based on the score and internal cut-off values, a variant classified as benign is not then subjected to further curation. The score for this variant resulted in a classification of benign for this disease.